The following is an entry in ClinVar:

NM_000053.4(ATP7B):c.1616C>T (p.Pro539Leu)

Gene: ATP7B (ATPase copper transporting beta; minus strand). Cytogenetic location: 13q14.3.
Variant type: single nucleotide variant.
Coding change: c.1616C>T on transcript NM_000053.4 (MANE Select); coding-DNA position 1616, C replaced by T.
Protein change: p.Pro539Leu; replaces proline 539 with leucine.
Molecular consequence: missense variant.
Genome position (GRCh38, 1-based): chr13:51,968,535, G>A on the plus strand (C>T on the coding strand, the complement: ATP7B is on the minus strand). VCF-style: chr13-51968535-G-A. GRCh37 (hg19) VCF-style: chr13-52542671-G-A.
Other names: c.1616C>T, p.Pro539Leu (NM_001005918.3, NM_001330578.2, NM_001330579.2); c.1283C>T, p.Pro428Leu (NM_001243182.2); short protein forms P539L, P428L.
Identifiers: ClinVar variation 555819 (VCV000555819.9), dbSNP rs572122562, ClinGen allele CA6989291.

ClinVar aggregate classification (germline): Conflicting classifications of pathogenicity. Review status: criteria provided, conflicting classifications (1 of 4 stars). 7 submissions from 7 submitters: Likely pathogenic (3); Uncertain significance (3). 1 of the submissions does not count toward it. Last evaluated 2025-07-22.

Conditions:
Wilson disease (WND). Also called: Wilson's disease. Identifiers: Orphanet 905, MedGen C0019202, MONDO:0010200, OMIM 277900. Disease mechanism: loss of function.

Allele frequency attached by ClinVar (database versions not stated): gnomAD exomes below 0.00001; ExAC 0.00001; gnomAD 0.00001; 1000 Genomes Project 30x 0.00016; 1000 Genomes Project 0.00020.
gnomAD v4.1: 1 of 1,614,152 alleles (0.000062%); highest among the groups gnomAD compares: South Asian, 0.0011%; no homozygotes.

Submissions (7):

Natera, Inc.
Classification: Likely pathogenic for Wilson disease. Last evaluated: 2025-07-22. Review status: criteria provided, single submitter. Criteria: Natera Variant Classification Schema (03/2026). Collection method: clinical testing. Allele origin: germline.
Comment: The c.1616C>T variant in ATP7B is a missense variant predicted to cause substitution of proline to leucine at amino acid 539. This variant is rare in the general population with a frequency below the threshold expected for the associated phenotype(s). This variant has been observed in one or more individuals affected with the associated recessive disease, as either homozygous or compound heterozygous with a second variant (PMID: 22763723). Additionally, this variant has been observed to segregate in affected family members (PMID: 22763723). Computational prediction algorithms indicate this variant is likely to affect gene or protein function. Given the available evidence, this variant is classified as Likely Pathogenic.

Fulgent Genetics
Classification: Likely pathogenic for Wilson disease. Last evaluated: 2024-05-14. Review status: criteria provided, single submitter. Criteria: ACMG Guidelines, 2015. Collection method: clinical testing. Allele origin: germline.

Revvity Omics, Revvity
Classification: Uncertain significance for Wilson disease. Last evaluated: 2024-04-24. Review status: criteria provided, single submitter. Criteria: ACMG Guidelines, 2015. Collection method: clinical testing. Allele origin: germline.

Labcorp Genetics (formerly Invitae), Labcorp
Classification: Uncertain significance for Wilson disease. Last evaluated: 2024-04-06. Review status: criteria provided, single submitter. Criteria: Invitae Variant Classification Sherloc (09022015). Collection method: clinical testing. Allele origin: germline.
Comment: This sequence change replaces proline, which is neutral and non-polar, with leucine, which is neutral and non-polar, at codon 539 of the ATP7B protein (p.Pro539Leu). This variant is present in population databases (rs572122562, gnomAD 0.003%). This missense change has been observed in individual(s) with Wilson disease (PMID: 22763723). ClinVar contains an entry for this variant (Variation ID: 555819). Advanced modeling of protein sequence and biophysical properties (such as structural, functional, and spatial information, amino acid conservation, physicochemical variation, residue mobility, and thermodynamic stability) has been performed at Invitae for this missense variant, however the output from this modeling did not meet the statistical confidence thresholds required to predict the impact of this variant on ATP7B protein function. In summary, the available evidence is currently insufficient to determine the role of this variant in disease. Therefore, it has been classified as a Variant of Uncertain Significance.

Baylor Genetics
Classification: Likely pathogenic for Wilson disease. Last evaluated: 2023-10-10. Review status: criteria provided, single submitter. Criteria: ACMG Guidelines, 2015. Collection method: clinical testing. Allele origin: unknown.

Women's Health and Genetics/Laboratory Corporation of America, LabCorp
Classification: Uncertain significance. Last evaluated: 2022-08-03. Review status: criteria provided, single submitter. Criteria: LabCorp Variant Classification Summary - May 2015. Collection method: clinical testing. Allele origin: germline.
Comment: Variant summary: ATP7B c.1616C>T (p.Pro539Leu) results in a non-conservative amino acid change located in the Heavy metal-associated domain (IPR006121) of the encoded protein sequence. Five of five in-silico tools predict a damaging effect of the variant on protein function. The variant allele was found at a frequency of 4e-06 in 249472 control chromosomes (gnomAD). c.1616C>T has been reported in three Austrian siblings with compound heterozygous genotype c.1616C>T/c.2448G>T diagnosed with Wilson Disease (example: Hofer_2012). These data indicate that the variant may be associated with disease. To our knowledge, no experimental evidence demonstrating an impact on protein function has been reported. One clinical diagnostic laboratory has submitted clinical-significance assessments for this variant to ClinVar after 2014 and classified the variant as uncertain significance. Based on the evidence outlined above, the variant was classified as VUS-possibly pathogenic.

Counsyl
Classification: Uncertain significance for Wilson disease. Last evaluated: 2017-12-28. Review status: no assertion criteria provided. Collection method: clinical testing. Allele origin: unknown. Not counted in ClinVar's aggregate classification.

Literature cited by the submitters: PubMed 22763723 (cited by 4 submitters); PubMed 33640437 (cited by Women's Health and Genetics/Laboratory Corporation of America, LabCorp).